The following is an entry in ClinVar:

ClinVar aggregate classification (germline): Uncertain significance (1 of 4 stars; one submission).

Allele frequency attached by ClinVar (database versions not stated): gnomAD exomes below 0.00001; ExAC 0.00002.

Submission:

Ambry Genetics
Classification: Uncertain significance. Last evaluated: 2022-03-16. Review status: criteria provided, single submitter. Criteria: Ambry Variant Classification Scheme 2023. Collection method: clinical testing. Allele origin: germline.
Comment: The p.Y524H variant (also known as c.1570T>C), located in coding exon 15 of the PRKDC gene, results from a T to C substitution at nucleotide position 1570. The tyrosine at codon 524 is replaced by histidine, an amino acid with similar properties. This amino acid position is conserved. In addition, this alteration is predicted to be tolerated by in silico analysis. Since supporting evidence is limited at this time, the clinical significance of this alteration remains unclear.

NM_006904.7(PRKDC):c.1570T>C (p.Tyr524His)

Gene: PRKDC (protein kinase, DNA-activated, catalytic subunit; minus strand). Cytogenetic location: 8q11.21.
Variant type: single nucleotide variant.
Coding change: c.1570T>C on transcript NM_006904.7 (MANE Select); coding-DNA position 1570, T replaced by C.
Protein change: p.Tyr524His; replaces tyrosine 524 with histidine.
Molecular consequence: missense variant.
Genome position (GRCh38, 1-based): chr8:47,934,018, A>G on the plus strand (T>C on the coding strand, the complement: PRKDC is on the minus strand). VCF-style: chr8-47934018-A-G. GRCh37 (hg19) VCF-style: chr8-48846578-A-G.
Other names: c.1570T>C, p.Tyr524His (NM_001081640.2); short protein forms Y524H.
Identifiers: ClinVar variation 1775508 (VCV001775508.2), dbSNP rs781359295, ClinGen allele CA4741695.
Genomic context (GRCh38, chr8:47,934,018, plus strand): 5'-ATGTTACCATCATCTGGTCAGAGCTCAGGAGATGTCTGAAGAGATCCACGTAGTCTTTGT[A>G]TGTGGGCACCTTCCATTTGCCAGTTCTGACTTCCCCTGAAGCACGGTGGTCTTCAGATTC-3'
Protein context (NP_008835.5, residues 514-534): VRTGKWKVPT[Tyr524His]KDYVDLFRHL